The following is an entry in ClinVar:

ClinVar aggregate classification (germline): Uncertain significance (1 of 4 stars; one submission).

Conditions:
UNC79-associated neurodevelopmental disorder.

Submission:

Institute of Human Genetics, University of Leipzig Medical Center
Classification: Uncertain significance for UNC79-associated neurodevelopmental disorder. Last evaluated: 2025-03-04. Review status: criteria provided, single submitter. Criteria: ACMG Guidelines, 2015. Collection method: clinical testing. Allele origin: unknown. Inheritance: Autosomal dominant inheritance. Affected: yes.
Comment: Criteria applied: PM2,PP3

Literature cited by the submitters: PubMed 37183800.

NM_001395159.1(UNC79):c.2211+1_2211+7delinsTTCTTGTCTTGCTTTTT

Gene: UNC79 (unc-79 homolog, NALCN channel complex subunit; plus strand). Cytogenetic location: 14q32.12.
Variant type: Indel.
Coding change: c.2211+1_2211+7delinsTTCTTGTCTTGCTTTTT on transcript NM_001395159.1 (MANE Select); the canonical splice donor site of the intron after coding-DNA position 2211 through 7 bases into the intron after coding-DNA position 2211, GTAATTA replaced by TTCTTGTCTTGCTTTTT.
Molecular consequence: splice donor variant.
Genome position (GRCh38, 1-based): chr14:93,575,199-93,575,205, GTAATTA replaced by TTCTTGTCTTGCTTTTT. VCF-style: chr14-93575199-GTAATTA-TTCTTGTCTTGCTTTTT. GRCh37 (hg19) VCF-style: chr14-94041545-GTAATTA-TTCTTGTCTTGCTTTTT.
Other names: c.1680+1_1680+7delinsTTCTTGTCTTGCTTTTT (NM_020818.5); c.2211+1_2211+7delinsTTCTTGTCTTGCTTTTT (NM_001346218.2).
Identifiers: ClinVar variation 3773703 (VCV003773703.2).
Genomic context (GRCh38, chr14:93,575,199, plus strand): 5'-CTGGCAAATCAAAGAAAATCAAGAGTCAGTGAACTGGCAGGGAACCTTGCATCTCGAAGG[GTAATTA>TTCTTGTCTTGCTTTTT]TTGCCACATTTGTTCTTGTCTTGCTTTTAAAAATCTTGAAAACCCTTGTCAGTTATCCTA-3'